The following is an entry in ClinVar:

ClinVar aggregate classification (germline): Uncertain significance (1 of 4 stars; one submission).

Conditions:
Hereditary cancer-predisposing syndrome. Also called: Neoplastic Syndromes, Hereditary; Tumor predisposition; Hereditary Cancer Syndrome; Hereditary neoplastic syndrome. Identifiers: Orphanet 140162, MedGen C0027672, MeSH D009386, MONDO:0015356.

Submission:

Ambry Genetics
Classification: Uncertain significance for Hereditary cancer-predisposing syndrome. Last evaluated: 2024-09-16. Review status: criteria provided, single submitter. Criteria: Ambry Variant Classification Scheme 2023. Collection method: clinical testing. Allele origin: germline.
Comment: The p.N2708I variant (also known as c.8123A>T), located in coding exon 15 of the APC gene, results from an A to T substitution at nucleotide position 8123. The asparagine at codon 2708 is replaced by isoleucine, an amino acid with dissimilar properties. This amino acid position is conserved. In addition, in silico predictors for this gene do not accurately predict pathogenicity. Based on the available evidence, the clinical significance of this variant remains unclear.

NM_000038.6(APC):c.8123A>T (p.Asn2708Ile)

Gene: APC (APC regulator of Wnt signaling pathway; plus strand). Cytogenetic location: 5q22.2.
Variant type: single nucleotide variant.
Coding change: c.8123A>T on transcript NM_000038.6 (MANE Select); coding-DNA position 8123, A replaced by T.
Protein change: p.Asn2708Ile; replaces asparagine 2708 with isoleucine.
Molecular consequence: missense variant. On other transcripts: non-coding transcript variant (2).
Genome position (GRCh38, 1-based): chr5:112,843,717, A>T. VCF-style: chr5-112843717-A-T. GRCh37 (hg19) VCF-style: chr5-112179414-A-T.
Other names: c.8123A>T, p.Asn2708Ile (NM_001127510.3, NM_001354895.2, NM_001407450.1); c.8069A>T, p.Asn2690Ile (NM_001127511.3); c.8177A>T, p.Asn2726Ile (NM_001354896.2, NM_001407447.1, NM_001407448.1 and 1 more transcripts); c.8153A>T, p.Asn2718Ile (NM_001354897.2); c.8048A>T, p.Asn2683Ile (NM_001354898.2); c.8039A>T, p.Asn2680Ile (NM_001354899.2); c.8000A>T, p.Asn2667Ile (NM_001354900.2); c.7946A>T, p.Asn2649Ile (NM_001354901.2, NM_001407453.1); and 11 more; short protein forms N2617I, N2649I, N2680I, N2690I, N2736I, N2425I, N2548I, N2582I.
Identifiers: ClinVar variation 3411184 (VCV003411184.1).